The following is an entry in ClinVar:

NM_006361.6(HOXB13):c.140A>G (p.Asn47Ser)

Gene: HOXB13 (homeobox B13; minus strand). Cytogenetic location: 17q21.32.
Variant type: single nucleotide variant.
Coding change: c.140A>G on transcript NM_006361.6 (MANE Select); coding-DNA position 140, A replaced by G.
Protein change: p.Asn47Ser; replaces asparagine 47 with serine.
Molecular consequence: missense variant.
Genome position (GRCh38, 1-based): chr17:48,728,454, T>C on the plus strand (A>G on the coding strand, the complement: HOXB13 is on the minus strand). VCF-style: chr17-48728454-T-C. GRCh37 (hg19) VCF-style: chr17-46805816-T-C.
Other names: short protein forms N47S.
Identifiers: ClinVar variation 483487 (VCV000483487.25), dbSNP rs748333323, ClinGen allele CA8634057.

ClinVar aggregate classification (germline): Conflicting classifications of pathogenicity. Review status: criteria provided, conflicting classifications (1 of 4 stars). 6 submissions from 6 submitters: Uncertain significance (5); Likely benign (1). Last evaluated 2026-02-02.

Conditions:
HOXB13-related disorder. Also called: HOXB13-related disorders; HOXB13-related condition.
Hereditary cancer-predisposing syndrome. Also called: Neoplastic Syndromes, Hereditary; Hereditary Cancer Syndrome; Tumor predisposition; Hereditary neoplastic syndrome. Identifiers: Orphanet 140162, MedGen C0027672, MeSH D009386, MONDO:0015356.
Prostate cancer, hereditary, 9 (HPC9). Identifiers: Orphanet 1331, MedGen C1970250, MONDO:0012597, OMIM 610997.

Allele frequency attached by ClinVar (database versions not stated): ExAC 0.00002; gnomAD exomes 0.00002 and 0.00010; gnomAD 0.00006 and 0.00007; TOPMed 0.00006.
gnomAD v4.1: 173 of 1,613,168 alleles (0.011%); highest among the groups gnomAD compares: Non-Finnish European, 0.013%; no homozygotes.

Submissions (6):

Labcorp Genetics (formerly Invitae), Labcorp
Classification: Uncertain significance. Last evaluated: 2026-02-02. Review status: criteria provided, single submitter. Criteria: Invitae Variant Classification Sherloc (09022015). Collection method: clinical testing. Allele origin: germline.
Comment: This sequence change replaces asparagine, which is neutral and polar, with serine, which is neutral and polar, at codon 47 of the HOXB13 protein (p.Asn47Ser). This variant is present in population databases (rs748333323, gnomAD 0.006%). This missense change has been observed in individual(s) with prostate cancer (PMID: 22781434). ClinVar contains an entry for this variant (Variation ID: 483487). An algorithm developed to predict the effect of missense changes on protein structure and function outputs the following: PolyPhen-2: "Benign". The serine amino acid residue is found in multiple mammalian species, which suggests that this missense change does not adversely affect protein function. In summary, the available evidence is currently insufficient to determine the role of this variant in disease. Therefore, it has been classified as a Variant of Uncertain Significance.

PreventionGenetics, part of Exact Sciences
Classification: Uncertain significance for HOXB13-related condition. Last evaluated: 2025-12-22. Review status: criteria provided, single submitter. Criteria: ACMG Guidelines, 2015. Collection method: clinical testing. Allele origin: germline.
Comment: The HOXB13 c.140A>G variant is predicted to result in the amino acid substitution p.Asn47Ser. This variant was reported in an individual with prostate cancer (Akbari et al. 2012. PubMed ID: 22781434). This variant is reported in 0.0063% of alleles in individuals of European (Non-Finnish) descent in gnomAD and has conflicting interpretations in ClinVar ranging from uncertain to likely benign (Variation ID: 483487). At this time, the clinical significance of this variant is uncertain due to the absence of conclusive functional and genetic evidence.

Ambry Genetics
Classification: Likely benign for Hereditary cancer-predisposing syndrome. Last evaluated: 2025-09-10. Review status: criteria provided, single submitter. Criteria: Ambry Variant Classification Scheme 2023. Collection method: clinical testing. Allele origin: germline.

GeneDx
Classification: Uncertain significance. Last evaluated: 2024-12-04. Review status: criteria provided, single submitter. Criteria: GeneDx Variant Classification Process June 2021. Collection method: clinical testing. Allele origin: germline. Affected: yes.
Comment: In silico analysis indicates that this missense variant does not alter protein structure/function; Observed in an individual with a personal history of prostate cancer in published literature (PMID: 22781434); This variant is associated with the following publications: (PMID: 28272408, 22781434)

Quest Diagnostics Nichols Institute San Juan Capistrano
Classification: Uncertain significance. Last evaluated: 2024-10-10. Review status: criteria provided, single submitter. Criteria: Quest Diagnostics criteria. Collection method: clinical testing. Allele origin: unknown.
Comment: The HOXB13 c.140A>G (p.Asn47Ser) variant has been reported in the published literature in an individual with prostate cancer (PMID: 22781434 (2012)). The frequency of this variant in the general population, 0.000063 (8/127812 chromosomes (Genome Aggregation Database)), is uninformative in the assessment of its pathogenicity. Analysis of this variant using bioinformatics tools for the prediction of the effect of amino acid changes on protein structure and function yielded predictions that this variant is benign. Based on the available information, we are unable to determine the clinical significance of this variant.

Fulgent Genetics
Classification: Uncertain significance for Prostate cancer, hereditary, 9. Last evaluated: 2018-10-31. Review status: criteria provided, single submitter. Criteria: ACMG Guidelines, 2015. Collection method: clinical testing. Allele origin: unknown.

Literature cited by the submitters: PubMed 22781434 (cited by 3 submitters); PubMed 28272408 (cited by Quest Diagnostics Nichols Institute San Juan Capistrano).